The following is an entry in ClinVar:

NM_007294.4(BRCA1):c.1509G>C (p.Lys503Asn)

Gene: BRCA1 (BRCA1 DNA repair associated; minus strand). Cytogenetic location: 17q21.31.
Variant type: single nucleotide variant.
Coding change: c.1509G>C on transcript NM_007294.4 (MANE Select); coding-DNA position 1509, G replaced by C.
Protein change: p.Lys503Asn; replaces lysine 503 with asparagine.
Molecular consequence: missense variant. On other transcripts: intron variant (137).
Genome position (GRCh38, 1-based): chr17:43,094,022, C>G on the plus strand (G>C on the coding strand, the complement: BRCA1 is on the minus strand). VCF-style: chr17-43094022-C-G. GRCh37 (hg19) VCF-style: chr17-41246039-C-G.
Other names: c.1383G>C, p.Lys461Asn (NM_001407670.1, NM_001407671.1, NM_001407672.1 and 11 more transcripts); c.1386G>C, p.Lys462Asn (NM_001407674.1, NM_001407675.1, NM_001407676.1 and 19 more transcripts); c.1509G>C, p.Lys503Asn (NM_001407684.1, NM_001407581.1, NM_001407582.1 and 30 more transcripts); c.1368G>C, p.Lys456Asn (NM_001407692.1, NM_001407694.1, NM_001407698.1 and 29 more transcripts); c.1365G>C, p.Lys455Asn (NM_001407740.1, NM_001407741.1, NM_001407742.1 and 20 more transcripts); c.1296G>C, p.Lys432Asn (NM_001407571.1, NM_001407853.1, NM_001407894.1 and 9 more transcripts); c.1506G>C, p.Lys502Asn (NM_001407587.1, NM_001407590.1, NM_001407591.1 and 22 more transcripts); c.1500G>C, p.Lys500Asn (NM_001407646.1, NM_001407647.1); and 40 more; short protein forms K207N, K375N, K414N, K477N, K503N, K433N, K436N, K455N.
Identifiers: ClinVar variation 2914954 (VCV002914954.3), dbSNP rs919114934, ClinGen allele CA10599026.
Genomic context (GRCh38, chr17:43,094,022, plus strand): 5'-CAAATCTGCTTTCTTGATAAAATCCTCAGGATGAAGGCCTGATGTAGGTCTCCTTTTACG[C>G]TTTAATTTATTTGTGAGGGGACGCTCTTGTATTATCTGTGGCTCAGTAACAAATGCTCCT-3'
Protein context (NP_009225.1, residues 493-513): IQERPLTNKL[Lys503Asn]RKRRPTSGLH

ClinVar aggregate classification (germline): Uncertain significance (1 of 4 stars; one submission).

Conditions:
Hereditary breast ovarian cancer syndrome. Also called: BRCA1- and BRCA2-Associated Hereditary Breast and Ovarian Cancer; Hereditary breast and ovarian cancer; Hereditary breast and ovarian cancer syndrome (HBOC); Hereditary breast and/or ovarian cancer syndrome; Hereditary breast and ovarian cancer syndrome; Breast and ovarian cancer. Identifiers: Orphanet 145, MedGen C0677776, MeSH D061325, MONDO:0003582. Disease mechanism: loss of function.

Submission:

Labcorp Genetics (formerly Invitae), Labcorp
Classification: Uncertain significance for Hereditary breast ovarian cancer syndrome. Last evaluated: 2022-11-01. Review status: criteria provided, single submitter. Criteria: Invitae Variant Classification Sherloc (09022015). Collection method: clinical testing. Allele origin: germline.
Comment: In summary, the available evidence is currently insufficient to determine the role of this variant in disease. Therefore, it has been classified as a Variant of Uncertain Significance. Advanced modeling of protein sequence and biophysical properties (such as structural, functional, and spatial information, amino acid conservation, physicochemical variation, residue mobility, and thermodynamic stability) performed at Invitae indicates that this missense variant is not expected to disrupt BRCA1 protein function. This variant has not been reported in the literature in individuals affected with BRCA1-related conditions. This variant is not present in population databases (gnomAD no frequency). This sequence change replaces lysine, which is basic and polar, with asparagine, which is neutral and polar, at codon 503 of the BRCA1 protein (p.Lys503Asn).